The following is an entry in ClinVar:

NM_080732.4(EGLN2):c.629T>C (p.Val210Ala)

Genes: EGLN2 (egl-9 family hypoxia inducible factor 2; plus strand), RAB4B-EGLN2 (RAB4B-EGLN2 readthrough (NMD candidate); plus strand). Cytogenetic location: 19q13.2.
Variant type: single nucleotide variant.
Coding change: c.629T>C on transcript NM_080732.4 (MANE Select); coding-DNA position 629, T replaced by C.
Protein change: p.Val210Ala; replaces valine 210 with alanine.
Molecular consequence: missense variant. On other transcripts: non-coding transcript variant (1).
Genome position (GRCh38, 1-based): chr19:40,801,201, T>C. VCF-style: chr19-40801201-T-C. GRCh37 (hg19) VCF-style: chr19-41307106-T-C.
Other names: c.629T>C, p.Val210Ala (NM_053046.4); short protein forms V210A.
Identifiers: ClinVar variation 1752702 (VCV001752702.3), dbSNP rs1279406056, ClinGen allele CA405955658.

ClinVar aggregate classification (germline): Uncertain significance (1 of 4 stars; one submission).

Submission:

Ambry Genetics
Classification: Uncertain significance. Last evaluated: 2024-08-17. Review status: criteria provided, single submitter. Criteria: Ambry Variant Classification Scheme 2023. Collection method: clinical testing. Allele origin: germline.
Comment: The p.V210A variant (also known as c.629T>C), located in coding exon 1 of the EGLN2 gene, results from a T to C substitution at nucleotide position 629. The valine at codon 210 is replaced by alanine, an amino acid with similar properties. This amino acid position is conserved. In addition, this alteration is predicted to be tolerated by in silico analysis. Since supporting evidence is limited at this time, the clinical significance of this alteration remains unclear.